The following is an entry in ClinVar:

ClinVar aggregate classification (germline): Conflicting classifications of pathogenicity. Review status: criteria provided, conflicting classifications (1 of 4 stars). 6 submissions from 6 submitters: Uncertain significance (4); Likely benign (1). 1 of the submissions does not count toward it. Last evaluated 2026-06-01.

Conditions:
OTOF-related disorder. Also called: OTOF-related condition.
Autosomal recessive nonsyndromic hearing loss 9. Also called: Deafness, autosomal recessive 9; NEUROSENSORY NONSYNDROMIC RECESSIVE DEAFNESS 9; AUDITORY NEUROPATHY, AUTOSOMAL RECESSIVE, 1, TEMPERATURE-SENSITIVE; OTOF-Related Hearing Loss. Identifiers: Orphanet 90636, MedGen C1832828, MONDO:0010986, OMIM 601071.

Allele frequency attached by ClinVar (database versions not stated): gnomAD exomes 0.00007 and 0.00012; ESP Exome Variant Server 0.00008; gnomAD 0.00008; TOPMed 0.00011; ExAC 0.00017.
gnomAD v4.1: 122 of 1,613,968 alleles (0.0076%); highest among the groups gnomAD compares: Middle Eastern, 0.12%; 1 homozygote.

Submissions (6):

PreventionGenetics, part of Exact Sciences
Classification: Uncertain significance for OTOF-related condition. Last evaluated: 2026-06-01. Review status: criteria provided, single submitter. Criteria: ACMG Guidelines, 2015. Collection method: clinical testing. Allele origin: germline.
Comment: The OTOF c.5623G>A variant is predicted to result in the amino acid substitution p.Val1875Met. To our knowledge, this variant has not been reported in the literature. This variant is reported in 0.020% of alleles in individuals of Latino descent in gnomAD. At this time, the clinical significance of this variant is uncertain due to the absence of conclusive functional and genetic evidence.

Labcorp Genetics (formerly Invitae), Labcorp
Classification: Likely benign. Last evaluated: 2025-11-29. Review status: criteria provided, single submitter. Criteria: Invitae Variant Classification Sherloc (09022015). Collection method: clinical testing. Allele origin: germline.

GeneDx
Classification: Uncertain significance. Last evaluated: 2025-06-06. Review status: criteria provided, single submitter. Criteria: GeneDx Variant Classification Process June 2021. Collection method: clinical testing. Allele origin: germline.
Comment: In silico analysis suggests that this missense variant does not alter protein structure/function; Has not been previously published as pathogenic or benign to our knowledge

Blueprint Genetics
Classification: Uncertain significance. Last evaluated: 2024-10-25. Review status: criteria provided, single submitter. Criteria: ACMG Guidelines, 2015. Collection method: clinical testing. Allele origin: germline.

Illumina Laboratory Services, Illumina
Classification: Uncertain significance for Autosomal recessive nonsyndromic hearing loss 9. Last evaluated: 2018-01-13. Review status: criteria provided, single submitter. Criteria: ICSL Variant Classification Criteria 13 December 2019. Collection method: clinical testing. Allele origin: germline.

Department of Pathology and Laboratory Medicine, Sinai Health System
Classification: Uncertain significance. Review status: no assertion criteria provided. Collection method: clinical testing. Allele origin: unknown. Affected: yes. Study: The Canadian Open Genetics Repository (COGR). Not counted in ClinVar's aggregate classification.
Comment: The OTOF p.Val1108Met variant was not identified in the literature nor was it identified in LOVD 3.0, The variant was identified in dbSNP (ID: rs370691004) and ClinVar (classified as uncertain significance by Illumina). The variant was identified in control databases in 32 of 282626 chromosomes at a frequency of 0.0001132 (Genome Aggregation Database March 6, 2019, v2.1.1). The variant was observed in the following populations: Other in 2 of 7222 chromosomes (freq: 0.000277), Latino in 7 of 35426 chromosomes (freq: 0.000198), European (non-Finnish) in 19 of 129016 chromosomes (freq: 0.000147), African in 2 of 24940 chromosomes (freq: 0.00008), East Asian in 1 of 19938 chromosomes (freq: 0.00005) and South Asian in 1 of 30614 chromosomes (freq: 0.000033), but was not observed in the Ashkenazi Jewish or European (Finnish) populations. The p.Val1108 residue is conserved in mammals but not in more distantly related organisms however four out of five computational analyses (PolyPhen-2, SIFT, AlignGVGD, BLOSUM, MutationTaster) do not suggest a high likelihood of impact to the protein; this information is not predictive enough to rule out pathogenicity. The variant occurs outside of the splicing consensus sequence and in silico or computational prediction software programs (SpliceSiteFinder, MaxEntScan, NNSPLICE, GeneSplicer) do not predict a difference in splicing. In summary, based on the above information the clinical significance of this variant cannot be determined with certainty at this time. This variant is classified as a variant of uncertain significance.

NM_194248.3(OTOF):c.5623G>A (p.Val1875Met)

Gene: OTOF (otoferlin; minus strand). Cytogenetic location: 2p23.3.
Variant type: single nucleotide variant.
Coding change: c.5623G>A on transcript NM_194248.3 (MANE Select); coding-DNA position 5623, G replaced by A.
Protein change: p.Val1875Met; replaces valine 1875 with methionine.
Molecular consequence: missense variant.
Genome position (GRCh38, 1-based): chr2:26,460,941, C>T on the plus strand (G>A on the coding strand, the complement: OTOF is on the minus strand). VCF-style: chr2-26460941-C-T. GRCh37 (hg19) VCF-style: chr2-26683809-C-T.
Other names: c.5623G>A, p.Val1875Met (NM_001287489.2); c.3322G>A, p.Val1108Met (NM_004802.4, NM_194323.3); c.3553G>A, p.Val1185Met (NM_194322.3); short protein forms V1875M, V1108M, V1185M.
Identifiers: ClinVar variation 335429 (VCV000335429.17), dbSNP rs370691004, ClinGen allele CA1562765.